The following is an entry in ClinVar:

ClinVar aggregate classification (germline): Pathogenic (1 of 4 stars; one submission).

Conditions:
Hypertrophic cardiomyopathy 4. Also called: Familial hypertrophic cardiomyopathy 4. Identifiers: MedGen C1861862, MONDO:0007268, OMIM 115197.

Submission:

3billion
Classification: Pathogenic for Hypertrophic cardiomyopathy 4. Last evaluated: 2023-02-23. Review status: criteria provided, single submitter. Criteria: ACMG Guidelines, 2015. Collection method: clinical testing. Allele origin: unknown. Affected: yes.
Comment: The variant is not observed in the gnomAD v2.1.1 dataset. This variant was predicted to result in a loss or disruption of normal protein function through nonsense-mediated decay (NMD) or protein truncation. Multiple pathogenic variants are reported downstream of the variant. The variant has been reported to be associated with MYBPC3 related disorder (ClinVar ID: VCV000222699 / PMID: 33673806). Therefore, this variant is classified as Pathogenic according to the recommendation of ACMG/AMP guideline.

Literature cited by the submitters: PubMed 33673806.

NM_000256.3(MYBPC3):c.229G>T (p.Gly77Ter)

Gene: MYBPC3 (myosin binding protein C3; minus strand). Cytogenetic location: 11p11.2.
Variant type: single nucleotide variant.
Coding change: c.229G>T on transcript NM_000256.3 (MANE Select); coding-DNA position 229, G replaced by T.
Protein change: p.Gly77Ter; replaces glycine 77 with a stop codon.
Molecular consequence: nonsense.
Genome position (GRCh38, 1-based): chr11:47,351,302, C>A on the plus strand (G>T on the coding strand, the complement: MYBPC3 is on the minus strand). VCF-style: chr11-47351302-C-A. GRCh37 (hg19) VCF-style: chr11-47372853-C-A.
Other names: c.229G>T, p.Gly77Ter (LRG_386t1); short protein forms G77*.
Identifiers: ClinVar variation 222699 (VCV000222699.2), dbSNP rs869025459, ClinGen allele CA351921.